The following is an entry in ClinVar:

NM_005228.5(EGFR):c.3272A>C (p.Glu1091Ala)

Gene: EGFR (epidermal growth factor receptor; plus strand). Cytogenetic location: 7p11.2.
Variant type: single nucleotide variant.
Coding change: c.3272A>C on transcript NM_005228.5 (MANE Select); coding-DNA position 3272, A replaced by C.
Protein change: p.Glu1091Ala; replaces glutamic acid 1091 with alanine.
Molecular consequence: missense variant.
Genome position (GRCh38, 1-based): chr7:55,205,256, A>C. VCF-style: chr7-55205256-A-C. GRCh37 (hg19) VCF-style: chr7-55272949-A-C.
Other names: c.3137A>C, p.Glu1046Ala (NM_001346899.2); c.3113A>C, p.Glu1038Ala (NM_001346900.2); c.2471A>C, p.Glu824Ala (NM_001346941.2); short protein forms E1038A, E1046A, E1091A, E824A.
Identifiers: ClinVar variation 997470 (VCV000997470.2), dbSNP rs1788061731, ClinGen allele CA367584256.

ClinVar aggregate classification (germline): Uncertain significance (1 of 4 stars; one submission).

Conditions:
Lung cancer. Also called: Lung cancer, somatic; Malignant tumor of lung. Identifiers: MedGen C0242379, MONDO:0008903, OMIM 211980.

Submission:

Baylor Genetics
Classification: Uncertain significance for Lung cancer. Last evaluated: 2020-01-13. Review status: criteria provided, single submitter. Criteria: ACMG Guidelines, 2015. Collection method: clinical testing. Allele origin: maternal. Affected: yes. Study: CSER-TexasKidsCanSeq.
Comment: This variant was determined to be of uncertain significance according to ACMG Guidelines, 2015 [PMID:25741868].